The following is an entry in ClinVar:

NM_001025603.2(RFX5):c.1121C>G (p.Pro374Arg)

Gene: RFX5 (regulatory factor X5; minus strand). Cytogenetic location: 1q21.3.
Variant type: single nucleotide variant.
Coding change: c.1121C>G on transcript NM_001025603.2 (MANE Select); coding-DNA position 1121, C replaced by G.
Protein change: p.Pro374Arg; replaces proline 374 with arginine.
Molecular consequence: missense variant.
Genome position (GRCh38, 1-based): chr1:151,342,916, G>C on the plus strand (C>G on the coding strand, the complement: RFX5 is on the minus strand). VCF-style: chr1-151342916-G-C. GRCh37 (hg19) VCF-style: chr1-151315392-G-C.
Other names: c.1121C>G, p.Pro374Arg (NM_000449.4, NM_001379412.1, NM_001379413.1 and 5 more transcripts); c.1001C>G, p.Pro334Arg (NM_001379419.1, NM_001379420.1); short protein forms P334R, P374R.
Identifiers: ClinVar variation 1198472 (VCV001198472.2), dbSNP rs764126980, ClinGen allele CA1089660.

ClinVar aggregate classification (germline): Uncertain significance (1 of 4 stars; one submission).

Allele frequency attached by ClinVar (database versions not stated): ExAC 0.00001; gnomAD exomes 0.00001.

Submission:

GeneDx
Classification: Uncertain significance. Last evaluated: 2019-05-12. Review status: criteria provided, single submitter. Criteria: GeneDx Variant Classification Process June 2021. Collection method: clinical testing. Allele origin: germline. Affected: yes.
Comment: Not observed at a significant frequency in large population cohorts (Lek et al., 2016); In silico analysis, which includes protein predictors and evolutionary conservation, supports that this variant does not alter protein structure/function; Has not been previously published as pathogenic or benign to our knowledge